The following is an entry in ClinVar:

NM_001130004.2(ACTN1):c.106-17278T>C

Gene: ACTN1 (actinin alpha 1; minus strand). Cytogenetic location: 14q24.1.
Variant type: single nucleotide variant.
Coding change: c.106-17278T>C on transcript NM_001130004.2 (MANE Select); 17278 bases into the intron before coding-DNA position 106, T replaced by C.
Molecular consequence: intron variant.
Genome position (GRCh38, 1-based): chr14:68,942,950, A>G on the plus strand (T>C on the coding strand, the complement: ACTN1 is on the minus strand). VCF-style: chr14-68942950-A-G. GRCh37 (hg19) VCF-style: chr14-69409667-A-G.
Other names: c.106-17278T>C (NM_001424029.1, NM_001424027.1, NM_001424025.1 and 10 more transcripts); c.-805-17278T>C (NM_001424030.1); c.43-17278T>C (NM_001424022.1, NM_001424020.1, NM_001424018.1); c.-90-17278T>C (NM_001424026.1, NM_001424028.1); c.37-17278T>C (NM_001424021.1); c.103-17278T>C (NM_001424017.1).
Identifiers: ClinVar variation 4885838 (VCV004885838.2).

ClinVar aggregate classification (germline): Uncertain significance (1 of 4 stars; one submission).

gnomAD v4.1: 4 of 152,176 alleles (0.0026%); highest among the groups gnomAD compares: Admixed American, 0.0065%; no homozygotes.

Submission:

Dasa
Classification: Uncertain significance. Last evaluated: 2026-03-27. Review status: criteria provided, single submitter. Criteria: DASA Assertion Criteria. Collection method: clinical testing. Allele origin: germline.
Comment: NM_001130004.2(ACTN1):c.106-17278T>C is an intronic variant. This variant is rare in population databases. The currently available literature and clinical evidence are not sufficient to establish a definitive association between this variant and the reported condition. Therefore, this variant is classified as a variant of uncertain significance.